The following is an entry in ClinVar:

ClinVar aggregate classification (germline): Uncertain significance (1 of 4 stars; one submission).

Conditions:
Aortic valve disease 2 (AOVD2). Identifiers: MedGen C3542024, MONDO:0013902, OMIM 614823.

gnomAD v4.1: 3 of 1,613,832 alleles (0.00019%); highest among the groups gnomAD compares: African/African-American, 0.0013%; no homozygotes.

Submission:

Labcorp Genetics (formerly Invitae), Labcorp
Classification: Uncertain significance for Aortic valve disease 2. Last evaluated: 2025-04-11. Review status: criteria provided, single submitter. Criteria: Invitae Variant Classification Sherloc (09022015). Collection method: clinical testing. Allele origin: germline.
Comment: This sequence change replaces glycine, which is neutral and non-polar, with arginine, which is basic and polar, at codon 299 of the TBX5 protein (p.Gly299Arg). This variant is not present in population databases (gnomAD no frequency). This variant has not been reported in the literature in individuals affected with TBX5-related conditions. Invitae Evidence Modeling of protein sequence and biophysical properties (such as structural, functional, and spatial information, amino acid conservation, physicochemical variation, residue mobility, and thermodynamic stability) indicates that this missense variant is not expected to disrupt TBX5 protein function with a negative predictive value of 80%. In summary, the available evidence is currently insufficient to determine the role of this variant in disease. Therefore, it has been classified as a Variant of Uncertain Significance.

NM_181486.4(TBX5):c.895G>C (p.Gly299Arg)

Gene: TBX5 (T-box transcription factor 5; minus strand). Cytogenetic location: 12q24.21.
Variant type: single nucleotide variant.
Coding change: c.895G>C on transcript NM_181486.4 (MANE Select); coding-DNA position 895, G replaced by C.
Protein change: p.Gly299Arg; replaces glycine 299 with arginine.
Molecular consequence: missense variant.
Genome position (GRCh38, 1-based): chr12:114,366,252, C>G on the plus strand (G>C on the coding strand, the complement: TBX5 is on the minus strand). VCF-style: chr12-114366252-C-G. GRCh37 (hg19) VCF-style: chr12-114804057-C-G.
Other names: c.895G>C, p.Gly299Arg (NM_000192.3); c.745G>C, p.Gly249Arg (NM_080717.4); short protein forms G299R, G249R.
Identifiers: ClinVar variation 4770380 (VCV004770380.1).